The following is an entry in ClinVar:

NM_020163.3(SEMA3G):c.2230C>T (p.Arg744Trp)

Gene: SEMA3G (semaphorin 3G; minus strand). Cytogenetic location: 3p21.1.
Variant type: single nucleotide variant.
Coding change: c.2230C>T on transcript NM_020163.3 (MANE Select); coding-DNA position 2230, C replaced by T.
Protein change: p.Arg744Trp; replaces arginine 744 with tryptophan.
Molecular consequence: missense variant.
Genome position (GRCh38, 1-based): chr3:52,435,722, G>A on the plus strand (C>T on the coding strand, the complement: SEMA3G is on the minus strand). VCF-style: chr3-52435722-G-A. GRCh37 (hg19) VCF-style: chr3-52469738-G-A.
Other names: short protein forms R744W.
Identifiers: ClinVar variation 4990050 (VCV004990050.1).
Genomic context (GRCh38, chr3:52,435,722, plus strand): 5'-TCTTCTTGCCTAGCTCCAGCCCTGCCCAGCTCTTGCCCCTGGCCTGCTTGCCCCGGCTCC[G>A]GCTCCGGAAGCAGCCTGAGCATTCCGTGGTGCCCCTGCACCACACGCGCTCACAGTACTC-3'
Protein context (NP_064548.1, residues 734-754): TTECSGCFRS[Arg744Trp]SRGKQARGKS

ClinVar aggregate classification (germline): Uncertain significance (1 of 4 stars; one submission).

Conditions:
SEMA3G-related disorder. Also called: SEMA3G-related condition.

gnomAD v4.1: 40 of 1,614,030 alleles (0.0025%); highest among the groups gnomAD compares: African/African-American, 0.017%; no homozygotes.

Submission:

PreventionGenetics, part of Exact Sciences
Classification: Uncertain significance for SEMA3G-related condition. Last evaluated: 2025-08-06. Review status: criteria provided, single submitter. Criteria: ACMG Guidelines, 2015. Collection method: clinical testing. Allele origin: germline.
Comment: The SEMA3G c.2230C>T variant is predicted to result in the amino acid substitution p.Arg744Trp. To our knowledge, this variant has not been reported in the literature. This variant is reported in 0.0080% of alleles in individuals of African descent in gnomAD. At this time, the clinical significance of this variant is uncertain due to the absence of conclusive functional and genetic evidence.